The following is an entry in ClinVar:

NM_014634.4(PPM1F):c.903G>A (p.Ala301=)

Gene: PPM1F (protein phosphatase, Mg2+/Mn2+ dependent 1F; minus strand). Cytogenetic location: 22q11.22.
Variant type: single nucleotide variant.
Coding change: c.903G>A on transcript NM_014634.4 (MANE Select); coding-DNA position 903, G replaced by A.
Protein change: p.Ala301=; no amino-acid change (alanine 301 retained).
Molecular consequence: synonymous variant.
Genome position (GRCh38, 1-based): chr22:21,925,651, C>T on the plus strand (G>A on the coding strand, the complement: PPM1F is on the minus strand). VCF-style: chr22-21925651-C-T. GRCh37 (hg19) VCF-style: chr22-22280024-C-T.
Other names: c.399G>A, p.Ala133= (NM_001410836.1); c.903G>A (NM_014634.3).
Identifiers: ClinVar variation 4811330 (VCV004811330.2).
Genomic context (GRCh38, chr22:21,925,651, plus strand): 5'-GGTCCCGTTGACTCTCCAGCAGTCCATGTGAGACACAAAGCCACCCAATGCTTCAATGCG[C>T]GCCTTCTCATCCTGCAGAAACACAGCCAGAGTTGGGGGCAGGGCCGGGGGGATGGGGCGT-3'
Protein context (NP_055449.1, residues 291-311): PHRPERQDEK[Ala301=]RIEALGGFVS

ClinVar aggregate classification (germline): Likely benign. Review status: criteria provided, multiple submitters, no conflicts (2 of 4 stars). 2 submissions from 2 submitters: Likely benign (2). Last evaluated 2025-12-12.

Conditions:
PPM1F-related condition.

Submissions (2):

PreventionGenetics, part of Exact Sciences
Classification: Likely benign for PPM1F-related condition. Last evaluated: 2025-12-12. Review status: criteria provided, single submitter. Criteria: ACMG Guidelines, 2015. Collection method: clinical testing. Allele origin: germline.
Comment: This variant is classified as likely benign based on ACMG/AMP sequence variant interpretation guidelines (Richards et al. 2015 PMID: 25741868, with internal and published modifications).

Labcorp Genetics (formerly Invitae), Labcorp
Classification: Likely benign. Last evaluated: 2025-11-04. Review status: criteria provided, single submitter. Criteria: Invitae Variant Classification Sherloc (09022015). Collection method: clinical testing. Allele origin: germline.